The following is an entry in ClinVar:

ClinVar aggregate classification (germline): Uncertain significance (1 of 4 stars; one submission).

Conditions:
Telangiectasia, hereditary hemorrhagic, type 2 (HHT2). Also called: ACVRL1-Related Hereditary Hemorrhagic Telangiectasia; Telangiectasia, hereditary hemorrhagic, type II. Identifiers: Orphanet 774, MedGen C1838163, MONDO:0010880, OMIM 600376. Disease mechanism: loss of function.

Submission:

Labcorp Genetics (formerly Invitae), Labcorp
Classification: Uncertain significance for Telangiectasia, hereditary hemorrhagic, type 2. Last evaluated: 2019-09-19. Review status: criteria provided, single submitter. Criteria: Invitae Variant Classification Sherloc (09022015). Collection method: clinical testing. Allele origin: germline.
Comment: This variant is not present in population databases (ExAC no frequency). This sequence change replaces glycine with alanine at codon 371 of the ACVRL1 protein (p.Gly371Ala). The glycine residue is highly conserved and there is a small physicochemical difference between glycine and alanine. This variant has been observed in an individual with clinical features of hereditary hemorrhagic telangiectasia (Invitae). In summary, the available evidence is currently insufficient to determine the role of this variant in disease. Therefore, it has been classified as a Variant of Uncertain Significance. Algorithms developed to predict the effect of missense changes on protein structure and function (SIFT, PolyPhen-2, Align-GVGD) all suggest that this variant is likely to be disruptive, but these predictions have not been confirmed by published functional studies and their clinical significance is uncertain.

NM_000020.3(ACVRL1):c.1112G>C (p.Gly371Ala)

Gene: ACVRL1 (activin A receptor like type 1; plus strand). Cytogenetic location: 12q13.13.
Variant type: single nucleotide variant.
Coding change: c.1112G>C on transcript NM_000020.3 (MANE Select); coding-DNA position 1112, G replaced by C.
Protein change: p.Gly371Ala; replaces glycine 371 with alanine.
Molecular consequence: missense variant.
Genome position (GRCh38, 1-based): chr12:51,916,099, G>C. VCF-style: chr12-51916099-G-C. GRCh37 (hg19) VCF-style: chr12-52309883-G-C.
Other names: c.1112G>C, p.Gly371Ala (NM_001077401.2); short protein forms G371A.
Identifiers: ClinVar variation 955651 (VCV000955651.9), dbSNP rs1940832594, ClinGen allele CA384902347.